The following is an entry in ClinVar:

NM_153460.4(IL17RC):c.2120G>C (p.Gly707Ala)

Genes: IL17RC (interleukin 17 receptor C; plus strand), LOC129936144 (ATAC-STARR-seq lymphoblastoid silent region 14051; plus strand). Cytogenetic location: 3p25.3.
Variant type: single nucleotide variant.
Coding change: c.2120G>C on transcript NM_153460.4 (MANE Select); coding-DNA position 2120, G replaced by C.
Protein change: p.Gly707Ala; replaces glycine 707 with alanine.
Molecular consequence: missense variant. On other transcripts: non-coding transcript variant (1).
Genome position (GRCh38, 1-based): chr3:9,933,550, G>C. VCF-style: chr3-9933550-G-C. GRCh37 (hg19) VCF-style: chr3-9975234-G-C.
Other names: c.2081G>C, p.Gly694Ala (NM_001203263.2); c.2030G>C, p.Gly677Ala (NM_001203264.2); c.2024G>C, p.Gly675Ala (NM_001203265.2); c.2042G>C, p.Gly681Ala (NM_001367278.1); c.1961G>C, p.Gly654Ala (NM_001367279.1); c.2036G>C, p.Gly679Ala (NM_001367280.1); c.1985G>C, p.Gly662Ala (NM_001410711.1); c.2075G>C, p.Gly692Ala (NM_032732.6); and 1 more; short protein forms G654A, G675A, G677A, G707A, G778A, G662A, G679A, G692A.
Identifiers: ClinVar variation 4700227 (VCV004700227.1).

ClinVar aggregate classification (germline): Uncertain significance (1 of 4 stars; one submission).

Conditions:
Candidiasis, familial, 9 (CANDF9). Identifiers: Orphanet 1334, MedGen C4225324, MONDO:0014642, OMIM 616445.

gnomAD v4.1: 8 of 1,607,374 alleles (0.0005%); highest among the groups gnomAD compares: South Asian, 0.0078%; no homozygotes.

Submission:

Labcorp Genetics (formerly Invitae), Labcorp
Classification: Uncertain significance for Candidiasis, familial, 9. Last evaluated: 2025-08-29. Review status: criteria provided, single submitter. Criteria: Invitae Variant Classification Sherloc (09022015). Collection method: clinical testing. Allele origin: germline.
Comment: This sequence change replaces glycine, which is neutral and non-polar, with alanine, which is neutral and non-polar, at codon 778 of the IL17RC protein (p.Gly778Ala). This variant is present in population databases (rs543412400, gnomAD 0.003%). This variant has not been reported in the literature in individuals affected with IL17RC-related conditions. Experimental studies and prediction algorithms are not available or were not evaluated, and the functional significance of this variant is currently unknown. In summary, the available evidence is currently insufficient to determine the role of this variant in disease. Therefore, it has been classified as a Variant of Uncertain Significance.